The following is an entry in ClinVar:

NM_000092.5(COL4A4):c.1033_1050del (p.Asp345_Gly350del)

Gene: COL4A4 (collagen type IV alpha 4 chain; minus strand). Cytogenetic location: 2q36.3.
Variant type: Deletion.
Coding change: c.1033_1050del on transcript NM_000092.5 (MANE Select); coding-DNA positions 1033 to 1050, 18 bases deleted (GATCCTGGAAATCGAGGG).
Protein change: p.Asp345_Gly350del.
Molecular consequence: inframe deletion.
Genome position (GRCh38, 1-based): chr2:227,099,669-227,099,686, CCCTCGATTTCCAGGATC deleted on the plus strand (GATCCTGGAAATCGAGGG on the coding strand, the reverse complement: COL4A4 is on the minus strand); deleting any 18 consecutive bases within chr2:227,099,669-227,099,689 gives the same sequence; the c. name uses the placement nearest the transcript's 3' end. VCF-style (leftmost placement, unchanged base first): chr2-227099668-GCCCTCGATTTCCAGGATC-G. GRCh37 (hg19) VCF-style: chr2-227964384-GCCCTCGATTTCCAGGATC-G.
Other names: c.1033_1050del18 (NM_000092.4).
Identifiers: ClinVar variation 556759 (VCV000556759.13), dbSNP rs990679247, ClinGen allele CA66559135.

ClinVar aggregate classification (germline): Uncertain significance. Review status: criteria provided, single submitter (1 of 4 stars). 2 submissions from 2 submitters: Uncertain significance (1). 1 of the submissions does not count toward it. Last evaluated 2025-04-23.

Conditions:
Autosomal recessive Alport syndrome (ATS2). Also called: Alport syndrome type 2; ALPORT SYNDROME 2, AUTOSOMAL RECESSIVE; COL4A3-Related Nephropathy; COL4A4 Alport Syndrome and Thin Basement Membrane Nephropathy. Identifiers: Orphanet 63, Orphanet 88919, MedGen C4746745, MONDO:0008762, OMIM 203780.

Submissions (2):

Labcorp Genetics (formerly Invitae), Labcorp
Classification: Uncertain significance. Last evaluated: 2025-04-23. Review status: criteria provided, single submitter. Criteria: Invitae Variant Classification Sherloc (09022015). Collection method: clinical testing. Allele origin: germline.
Comment: This variant, c.1033_1050del, results in the deletion of 6 amino acid(s) of the COL4A4 protein (p.Asp345_Gly350del), but otherwise preserves the integrity of the reading frame. This variant is not present in population databases (gnomAD no frequency). This variant has been observed in individual(s) with clinical features of Alport syndrome (internal data). ClinVar contains an entry for this variant (Variation ID: 556759). Experimental studies and prediction algorithms are not available or were not evaluated, and the functional significance of this variant is currently unknown. In summary, the available evidence is currently insufficient to determine the role of this variant in disease. Therefore, it has been classified as a Variant of Uncertain Significance.

Counsyl
Classification: Likely pathogenic for Autosomal recessive Alport syndrome. Last evaluated: 2018-02-22. Review status: no assertion criteria provided. Collection method: clinical testing. Allele origin: unknown. Not counted in ClinVar's aggregate classification.